The following is an entry in ClinVar:

NM_001111.5(ADAR):c.2763-112C>G

Genes: ADAR (adenosine deaminase RNA specific; minus strand), LOC126805874 (CDK7 strongly-dependent group 2 enhancer GRCh37_chr1:154561176-154562375; plus strand). Cytogenetic location: 1q21.3.
Variant type: single nucleotide variant.
Coding change: c.2763-112C>G on transcript NM_001111.5 (MANE Select); 112 bases into the intron before coding-DNA position 2763, C replaced by G.
Molecular consequence: intron variant.
Genome position (GRCh38, 1-based): chr1:154,588,785, G>C on the plus strand (C>G on the coding strand, the complement: ADAR is on the minus strand). VCF-style: chr1-154588785-G-C. GRCh37 (hg19) VCF-style: chr1-154561261-G-C.
Other names: c.1878-112C>G (NM_001365046.1, NM_001025107.3, NM_001365048.1 and 2 more transcripts); c.2790-112C>G (NM_001365045.1); c.1800-112C>G (NM_001365049.1); c.2628-112C>G (NM_015841.4); c.2685-112C>G (NM_015840.4).
Identifiers: ClinVar variation 1183352 (VCV001183352.5), dbSNP rs9427095, ClinGen allele CA16066914.

ClinVar aggregate classification (germline): Benign. Review status: criteria provided, multiple submitters, no conflicts (2 of 4 stars). 3 submissions from 3 submitters: Benign (3). Last evaluated 2024-01-24.

Allele frequency attached by ClinVar (database versions not stated): 1000 Genomes Project 30x 0.90506; 1000 Genomes Project 0.91134; TOPMed 0.91592; gnomAD 0.92097 and 0.92557; gnomAD exomes 0.99262.
gnomAD v4.1: 1,414,454 of 1,435,730 alleles (99%); highest among the groups gnomAD compares: Non-Finnish European, 100%; 699,107 homozygotes.

Submissions (3):

Unidad de Genómica Garrahan, Hospital de Pediatría Garrahan
Classification: Benign. Last evaluated: 2024-01-24. Review status: criteria provided, single submitter. Criteria: ACMG Guidelines, 2015. Collection method: clinical testing. Allele origin: germline. Affected: no. Observed: 18 variant alleles.
Comment: This variant is classified as Benign based on local population frequency. This variant was detected in 20% of patients studied by a panel of primary immunodeficiencies. Number of patients: 18. Only high quality variants are reported.

GeneDx
Classification: Benign. Last evaluated: 2018-07-05. Review status: criteria provided, single submitter. Criteria: GeneDx Variant Classification Process June 2021. Collection method: clinical testing. Allele origin: germline. Affected: yes.

Breakthrough Genomics
Classification: Benign. Review status: criteria provided, single submitter. Criteria: ACMG Guidelines, 2015. Collection method: not provided. Allele origin: germline. Inheritance: Autosomal recessive inheritance. Affected: yes.